The following is an entry in ClinVar:

NM_000465.4(BARD1):c.1792A>G (p.Thr598Ala)

Gene: BARD1 (BRCA1 associated RING domain 1; minus strand). Cytogenetic location: 2q35.
Variant type: single nucleotide variant.
Coding change: c.1792A>G on transcript NM_000465.4 (MANE Select); coding-DNA position 1792, A replaced by G.
Protein change: p.Thr598Ala; replaces threonine 598 with alanine.
Molecular consequence: missense variant. On other transcripts: non-coding transcript variant (3), intron variant (1).
Genome position (GRCh38, 1-based): chr2:214,745,740, T>C on the plus strand (A>G on the coding strand, the complement: BARD1 is on the minus strand). VCF-style: chr2-214745740-T-C. GRCh37 (hg19) VCF-style: chr2-215610464-T-C.
Other names: c.1735A>G, p.Thr579Ala (NM_001282543.2); c.439A>G, p.Thr147Ala (NM_001282545.2); c.382A>G, p.Thr128Ala (NM_001282548.2); c.365-15232A>G (NM_001282549.2); short protein forms T598A, T128A, T147A, T579A.
Identifiers: ClinVar variation 418639 (VCV000418639.17), dbSNP rs752628149, ClinGen allele CA2090172.

ClinVar aggregate classification (germline): Conflicting classifications of pathogenicity. Review status: criteria provided, conflicting classifications (1 of 4 stars). 4 submissions from 4 submitters: Uncertain significance (3); Likely benign (1). Last evaluated 2025-09-27.

Conditions:
Familial cancer of breast. Also called: Hereditary breast cancer; BREAST CANCER, FAMILIAL; hereditary breast carcinoma. Identifiers: Orphanet 227535, MedGen C0346153, MONDO:0016419, OMIM 114480. Disease mechanism: loss of function.
Hereditary cancer-predisposing syndrome. Also called: Hereditary neoplastic syndrome; Tumor predisposition; Neoplastic Syndromes, Hereditary; Hereditary Cancer Syndrome. Identifiers: Orphanet 140162, MedGen C0027672, MeSH D009386, MONDO:0015356.

Allele frequency attached by ClinVar (database versions not stated): gnomAD exomes below 0.00001; TOPMed below 0.00001; ExAC 0.00001; gnomAD 0.00001.
gnomAD v4.1: 5 of 1,613,946 alleles (0.00031%); highest among the groups gnomAD compares: Non-Finnish European, 0.00042%; no homozygotes.

Submissions (4):

Labcorp Genetics (formerly Invitae), Labcorp
Classification: Uncertain significance for Familial cancer of breast. Last evaluated: 2025-09-27. Review status: criteria provided, single submitter. Criteria: Invitae Variant Classification Sherloc (09022015). Collection method: clinical testing. Allele origin: germline.
Comment: This sequence change replaces threonine, which is neutral and polar, with alanine, which is neutral and non-polar, at codon 598 of the BARD1 protein (p.Thr598Ala). This variant is present in population databases (rs752628149, gnomAD 0.0009%). This variant has not been reported in the literature in individuals affected with BARD1-related conditions. ClinVar contains an entry for this variant (Variation ID: 418639). An algorithm developed to predict the effect of missense changes on protein structure and function outputs the following: PolyPhen-2: "Benign". The alanine amino acid residue is found in multiple mammalian species, which suggests that this missense change does not adversely affect protein function. In summary, the available evidence is currently insufficient to determine the role of this variant in disease. Therefore, it has been classified as a Variant of Uncertain Significance.

Quest Diagnostics Nichols Institute San Juan Capistrano
Classification: Uncertain significance. Last evaluated: 2024-03-26. Review status: criteria provided, single submitter. Criteria: Quest Diagnostics criteria. Collection method: clinical testing. Allele origin: unknown.
Comment: The BARD1 c.1792A>G (p.Thr598Ala) variant has not been reported in individuals with BARD1-related conditions in the published literature. The frequency of this variant in the general population, 0.000038 (1/26134 chromosomes (Genome Aggregation Database)), is uninformative in the assessment of its pathogenicity. Analysis of this variant using bioinformatics tools for the prediction of the effect of amino acid changes on protein structure and function yielded predictions that this variant is benign. Based on the available information, we are unable to determine the clinical significance of this variant.

Ambry Genetics
Classification: Likely benign for Hereditary cancer-predisposing syndrome. Last evaluated: 2022-01-26. Review status: criteria provided, single submitter. Criteria: Ambry Variant Classification Scheme 2023. Collection method: clinical testing. Allele origin: germline.

GeneDx
Classification: Uncertain significance. Last evaluated: 2017-06-06. Review status: criteria provided, single submitter. Criteria: GeneDx Variant Classification (06012015). Collection method: clinical testing. Allele origin: germline. Affected: yes.
Comment: This variant is denoted BARD1 c.1792A>G at the cDNA level, p.Thr598Ala (T598A) at the protein level, and results in the change of a Threonine to an Alanine (ACT>GCT). This variant has not, to our knowledge, been published in the literature as pathogenic or benign. BARD1 Thr598Ala was not observed at a significant allele frequency in large population cohorts (NHLBI Exome Sequencing Project, The 1000 Genomes Consortium 2015, Lek 2016). Since Threonine and Alanine differ in polarity, charge, size or other properties, this is considered a non-conservative amino acid substitution. BARD1 Thr598Ala occurs at a position that is not conserved and is located within the BRCT1 domain (UniProt, Fox 2008). In silico analyses predict that this variant is unlikely to alter protein structure or function. Based on currently available information, it is unclear whether BARD1 Thr598Ala is pathogenic or benign. We consider it to be a variant of uncertain significance.